The following is an entry in ClinVar:

ClinVar aggregate classification (germline): Uncertain significance. Review status: criteria provided, multiple submitters, no conflicts (2 of 4 stars). 2 submissions from 2 submitters: Uncertain significance (2). Last evaluated 2025-02-20.

Conditions:
Holoprosencephaly 5 (HPE5). Identifiers: Orphanet 2162, MedGen C1864827, MONDO:0012322, OMIM 609637.
Inborn genetic diseases. Identifiers: MedGen C0950123, MeSH D030342.

Allele frequency attached by ClinVar (database versions not stated): gnomAD 0.00001; gnomAD exomes 0.00001; TOPMed 0.00003.

Submissions (2):

Labcorp Genetics (formerly Invitae), Labcorp
Classification: Uncertain significance for Holoprosencephaly 5. Last evaluated: 2025-02-20. Review status: criteria provided, single submitter. Criteria: Invitae Variant Classification Sherloc (09022015). Collection method: clinical testing. Allele origin: germline.
Comment: This sequence change replaces glycine, which is neutral and non-polar, with serine, which is neutral and polar, at codon 155 of the ZIC2 protein (p.Gly155Ser). This variant is present in population databases (no rsID available, gnomAD 0.02%). This variant has not been reported in the literature in individuals affected with ZIC2-related conditions. ClinVar contains an entry for this variant (Variation ID: 2176681). Invitae Evidence Modeling of protein sequence and biophysical properties (such as structural, functional, and spatial information, amino acid conservation, physicochemical variation, residue mobility, and thermodynamic stability) indicates that this missense variant is not expected to disrupt ZIC2 protein function with a negative predictive value of 80%. In summary, the available evidence is currently insufficient to determine the role of this variant in disease. Therefore, it has been classified as a Variant of Uncertain Significance.

Ambry Genetics
Classification: Uncertain significance for Inborn genetic diseases. Last evaluated: 2024-11-09. Review status: criteria provided, single submitter. Criteria: Ambry Variant Classification Scheme 2023. Collection method: clinical testing. Allele origin: germline.

NM_007129.5(ZIC2):c.463G>A (p.Gly155Ser)

Gene: ZIC2 (Zic family zinc finger 2; plus strand). Cytogenetic location: 13q32.3.
Variant type: single nucleotide variant.
Coding change: c.463G>A on transcript NM_007129.5 (MANE Select); coding-DNA position 463, G replaced by A.
Protein change: p.Gly155Ser; replaces glycine 155 with serine.
Molecular consequence: missense variant.
Genome position (GRCh38, 1-based): chr13:99,982,527, G>A. VCF-style: chr13-99982527-G-A. GRCh37 (hg19) VCF-style: chr13-100634781-G-A.
Other names: c.463G>A (NM_007129.3); short protein forms G155S.
Identifiers: ClinVar variation 2176681 (VCV002176681.5), dbSNP rs930832332, ClinGen allele CA255394463.